The following is an entry in ClinVar:

NM_006390.4(IPO8):c.639+1G>A

Gene: IPO8 (importin 8; minus strand). Cytogenetic location: 12p11.21.
Variant type: single nucleotide variant.
Coding change: c.639+1G>A on transcript NM_006390.4 (MANE Select); the canonical splice donor site of the intron after coding-DNA position 639, G replaced by A.
Molecular consequence: splice donor variant.
Genome position (GRCh38, 1-based): chr12:30,680,481, C>T on the plus strand (G>A on the coding strand, the complement: IPO8 is on the minus strand). VCF-style: chr12-30680481-C-T. GRCh37 (hg19) VCF-style: chr12-30833415-C-T.
Identifiers: ClinVar variation 2572415 (VCV002572415.1), dbSNP rs1173889040, ClinGen allele CA384230892.

ClinVar aggregate classification (germline): Pathogenic (1 of 4 stars; one submission).

Conditions:
VISS syndrome. Also called: VASCULAR ANEURYSM, IMMUNE DYSREGULATION, SKELETAL ANOMALIES, AND SKIN AND JOINT LAXITY. Identifiers: MedGen C5561955, MONDO:0859177, OMIM 619472.

Allele frequency attached by ClinVar (database versions not stated): gnomAD exomes below 0.00001; TOPMed below 0.00001.
gnomAD v4.1: 1 of 1,606,086 alleles (0.000062%); highest among the groups gnomAD compares: Admixed American, 0.0017%; no homozygotes.

Submission:

3billion
Classification: Pathogenic for VISS syndrome. Review status: criteria provided, single submitter. Criteria: ACMG Guidelines, 2015. Collection method: clinical testing. Allele origin: unknown. Affected: yes. Observed: 1 homozygote.
Comment: The variant is observed at an extremely low frequency in the gnomAD v2.1.1 dataset (total allele frequency: <0.001%). The variant is predicted to alter splicing and result in a loss or disruption of normal protein function. Multiple pathogenic loss-of-function variants are reported downstream of the variant. Therefore, this variant is classified as Pathogenic according to the recommendation of ACMG/AMP guideline.